The following is an entry in ClinVar:

NM_144499.3(GNAT1):c.294C>T (p.Asp98=)

Gene: GNAT1 (G protein subunit alpha transducin 1; plus strand). Cytogenetic location: 3p21.31.
Variant type: single nucleotide variant.
Coding change: c.294C>T on transcript NM_144499.3 (MANE Select); coding-DNA position 294, C replaced by T.
Protein change: p.Asp98=; no amino-acid change (aspartic acid 98 retained).
Molecular consequence: synonymous variant.
Genome position (GRCh38, 1-based): chr3:50,193,508, C>T. VCF-style: chr3-50193508-C-T. GRCh37 (hg19) VCF-style: chr3-50230941-C-T.
Other names: c.294C>T, p.Asp98= (NM_000172.4).
Identifiers: ClinVar variation 346049 (VCV000346049.15), dbSNP rs374784713, ClinGen allele CA2412530.

ClinVar aggregate classification (germline): Benign/Likely benign. Review status: criteria provided, multiple submitters, no conflicts (2 of 4 stars). 6 submissions from 6 submitters: Benign (1); Likely benign (2). 3 of the submissions do not count toward it. Last evaluated 2025-10-27.

Conditions:
Congenital stationary night blindness autosomal dominant 3. Also called: NIGHT BLINDNESS, CONGENITAL STATIONARY, NOUGARET TYPE. Identifiers: Orphanet 215, MedGen C1864870, MONDO:0012497, OMIM 610444.
GNAT1-related disorder. Also called: GNAT1-related condition.

Allele frequency attached by ClinVar (database versions not stated): gnomAD 0.00003 and 0.00004; gnomAD exomes 0.00006 and 0.00016; ESP Exome Variant Server 0.00008; TOPMed 0.00014; ExAC 0.00015.
gnomAD v4.1: 98 of 1,613,148 alleles (0.0061%); highest among the groups gnomAD compares: East Asian, 0.15%; no homozygotes.

Submissions (6):

Labcorp Genetics (formerly Invitae), Labcorp
Classification: Likely benign. Last evaluated: 2025-10-27. Review status: criteria provided, single submitter. Criteria: Invitae Variant Classification Sherloc (09022015). Collection method: clinical testing. Allele origin: germline.

Blueprint Genetics
Classification: Likely benign. Last evaluated: 2024-07-17. Review status: criteria provided, single submitter. Criteria: ACMG Guidelines, 2015. Collection method: clinical testing. Allele origin: germline.

Illumina Laboratory Services, Illumina
Classification: Benign for Congenital stationary night blindness autosomal dominant 3. Last evaluated: 2018-01-13. Review status: criteria provided, single submitter. Criteria: ICSL Variant Classification Criteria 13 December 2019. Collection method: clinical testing. Allele origin: germline.
Comment: This variant was observed in the ICSL laboratory as part of a predisposition screen in an ostensibly healthy population. It had not been previously curated by ICSL or reported in the Human Gene Mutation Database (HGMD: prior to June 1st, 2018), and was therefore a candidate for classification through an automated scoring system. Utilizing variant allele frequency, disease prevalence and penetrance estimates, and inheritance mode, an automated score was calculated to assess if this variant is too frequent to cause the disease. Based on the score and internal cut-off values, a variant classified as benign is not then subjected to further curation. The score for this variant resulted in a classification of benign for this disease.

PreventionGenetics, part of Exact Sciences
Classification: Likely benign for GNAT1-related condition. Last evaluated: 2019-07-03. Review status: no assertion criteria provided. Collection method: clinical testing. Allele origin: germline. Not counted in ClinVar's aggregate classification.
Comment: This variant is classified as likely benign based on ACMG/AMP sequence variant interpretation guidelines (Richards et al. 2015 PMID: 25741868, with internal and published modifications).

Clinical Genetics DNA and cytogenetics Diagnostics Lab, Erasmus MC, Erasmus Medical Center
Classification: Likely benign. Review status: no assertion criteria provided. Collection method: clinical testing. Allele origin: germline. Affected: yes. Study: VKGL Data-share Consensus. Not counted in ClinVar's aggregate classification.

Clinical Genetics, Academic Medical Center
Classification: Benign. Review status: no assertion criteria provided. Collection method: clinical testing. Allele origin: germline. Affected: yes. Study: VKGL Data-share Consensus. Not counted in ClinVar's aggregate classification.